The following is an entry in ClinVar:

ClinVar aggregate classification (germline): Uncertain significance (1 of 4 stars; one submission).

Submission:

GeneDx
Classification: Uncertain significance. Last evaluated: 2026-03-27. Review status: criteria provided, single submitter. Criteria: GeneDx Variant Classification Process June 2021. Collection method: clinical testing. Allele origin: germline.
Comment: Not observed at significant frequency in large population cohorts (gnomAD); In silico analysis suggests that this missense variant does not alter protein structure/function; Has not been previously published as pathogenic or benign to our knowledge; This variant is associated with the following publications: (PMID: 16718611, 21520338, 31554319, 9590290)

NM_005422.4(TECTA):c.5444T>C (p.Ile1815Thr)

Genes: TBCEL-TECTA (TBCEL-TECTA readthrough; plus strand), TECTA (tectorin alpha; plus strand). Cytogenetic location: 11q23.3.
Variant type: single nucleotide variant.
Coding change: c.5444T>C on transcript NM_005422.4 (MANE Select); coding-DNA position 5444, T replaced by C.
Protein change: p.Ile1815Thr; replaces isoleucine 1815 with threonine.
Molecular consequence: missense variant.
Genome position (GRCh38, 1-based): chr11:121,166,638, T>C. VCF-style: chr11-121166638-T-C. GRCh37 (hg19) VCF-style: chr11-121037347-T-C.
Other names: c.6386T>C, p.Ile2129Thr (NM_001378761.1); short protein forms I1815T, I2129T.
Identifiers: ClinVar variation 5017763 (VCV005017763.1).
Genomic context (GRCh38, chr11:121,166,638, plus strand): 5'-ACTCACATGACATTATCGATGCAGAGGTGACCTGCAAAGCAGCCCAAATGGAAGTGTCCA[T>C]ATCTAAGTGCAAGCTCTTCCAGCTCGGTTTTGAGAGGGAGGGCGTGAGGATCAATGACAG-3'
Protein context (NP_005413.2, residues 1805-1825): TCKAAQMEVS[Ile1815Thr]SKCKLFQLGF